The following is an entry in ClinVar:

ClinVar aggregate classification (germline): Uncertain significance (1 of 4 stars; one submission).

Conditions:
Cardiovascular phenotype. Identifiers: MedGen CN230736.

gnomAD v4.1: 1 of 1,613,576 alleles (0.000062%); highest among the groups gnomAD compares: African/African-American, 0.0013%; no homozygotes.

Submission:

Ambry Genetics
Classification: Uncertain significance for Cardiovascular phenotype. Last evaluated: 2025-09-17. Review status: criteria provided, single submitter. Criteria: Ambry Variant Classification Scheme 2023. Collection method: clinical testing. Allele origin: germline.
Comment: The p.R1936K variant (also known as c.5807G>A), located in coding exon 24 of the AKAP9 gene, results from a G to A substitution at nucleotide position 5807. The arginine at codon 1936 is replaced by lysine, an amino acid with highly similar properties. This amino acid position is conserved. In addition, this alteration is predicted to be tolerated by in silico analysis. Based on the available evidence, the clinical significance of this variant remains unclear.

NM_005751.5(AKAP9):c.5807G>A (p.Arg1936Lys)

Gene: AKAP9 (A-kinase anchoring protein 9; plus strand). Cytogenetic location: 7q21.2.
Variant type: single nucleotide variant.
Coding change: c.5807G>A on transcript NM_005751.5 (MANE Select); coding-DNA position 5807, G replaced by A.
Protein change: p.Arg1936Lys; replaces arginine 1936 with lysine.
Molecular consequence: missense variant.
Genome position (GRCh38, 1-based): chr7:92,062,316, G>A. VCF-style: chr7-92062316-G-A. GRCh37 (hg19) VCF-style: chr7-91691630-G-A.
Other names: c.452G>A, p.Arg151Lys (NM_001379277.1); c.5807G>A, p.Arg1936Lys (NM_147185.3); short protein forms R1936K, R151K.
Identifiers: ClinVar variation 4613378 (VCV004613378.1).
Genomic context (GRCh38, chr7:92,062,316, plus strand): 5'-GTTAATTTTGTATTATAGGCGTCATTGATGGCTATGCAGATGAAAAAACTCTTTTTGAAA[G>A]GCAAATTCAGGAAAAAACTGATATAATAGATCGTCTTGAGCAGGAGTTGTTATGTGCAAG-3'
Protein context (NP_005742.4, residues 1926-1946): GYADEKTLFE[Arg1936Lys]QIQEKTDIID